The following is an entry in ClinVar:

NM_032043.3(BRIP1):c.1735C>A (p.Arg579Ser)

Gene: BRIP1 (BRCA1 interacting DNA helicase 1; minus strand). Cytogenetic location: 17q23.2.
Variant type: single nucleotide variant.
Coding change: c.1735C>A on transcript NM_032043.3 (MANE Select); coding-DNA position 1735, C replaced by A.
Protein change: p.Arg579Ser; replaces arginine 579 with serine.
Molecular consequence: missense variant.
Genome position (GRCh38, 1-based): chr17:61,780,899, G>T on the plus strand (C>A on the coding strand, the complement: BRIP1 is on the minus strand). VCF-style: chr17-61780899-G-T. GRCh37 (hg19) VCF-style: chr17-59858260-G-T.
Other names: short protein forms R579S.
Identifiers: ClinVar variation 569909 (VCV000569909.13), dbSNP rs28997571, ClinGen allele CA400480358.

ClinVar aggregate classification (germline): Uncertain significance. Review status: criteria provided, multiple submitters, no conflicts (2 of 4 stars). 2 submissions from 2 submitters: Uncertain significance (2). Last evaluated 2025-10-22.

Conditions:
Fanconi anemia complementation group J. Also called: BRIP1-Related Fanconi Anemia. Identifiers: Orphanet 84, MedGen C1836860, MONDO:0012187, OMIM 609054.
Familial cancer of breast. Also called: BREAST CANCER, FAMILIAL; hereditary breast carcinoma; Hereditary breast cancer. Identifiers: Orphanet 227535, MedGen C0346153, MONDO:0016419, OMIM 114480. Disease mechanism: loss of function.
Hereditary cancer-predisposing syndrome. Also called: Hereditary neoplastic syndrome; Neoplastic Syndromes, Hereditary; Hereditary Cancer Syndrome; Tumor predisposition. Identifiers: Orphanet 140162, MedGen C0027672, MeSH D009386, MONDO:0015356.

gnomAD v4.1: 1 of 1,614,102 alleles (0.000062%); highest among the groups gnomAD compares: Admixed American, 0.0017%; no homozygotes.

Submissions (2):

Ambry Genetics
Classification: Uncertain significance for Hereditary cancer-predisposing syndrome. Last evaluated: 2025-10-22. Review status: criteria provided, single submitter. Criteria: Ambry Variant Classification Scheme 2023. Collection method: clinical testing. Allele origin: germline.
Comment: The p.R579S variant (also known as c.1735C>A), located in coding exon 11 of the BRIP1 gene, results from a C to A substitution at nucleotide position 1735. The arginine at codon 579 is replaced by serine, an amino acid with dissimilar properties. This amino acid position is not well conserved in available vertebrate species. In addition, this alteration is predicted to be tolerated by in silico analysis. Since supporting evidence is limited at this time, the clinical significance of this alteration remains unclear.

Labcorp Genetics (formerly Invitae), Labcorp
Classification: Uncertain significance for Familial cancer of breast; Fanconi anemia complementation group J. Last evaluated: 2018-02-20. Review status: criteria provided, single submitter. Criteria: Invitae Variant Classification Sherloc (09022015). Collection method: clinical testing. Allele origin: germline.
Comment: This sequence change replaces arginine with serine at codon 579 of the BRIP1 protein (p.Arg579Ser). The arginine residue is weakly conserved and there is a moderate physicochemical difference between arginine and serine. This variant is not present in population databases (ExAC no frequency). This variant has not been reported in the literature in individuals with BRIP1-related disease. Algorithms developed to predict the effect of missense changes on protein structure and function (SIFT, PolyPhen-2, Align-GVGD) all suggest that this variant is likely to be tolerated, but these predictions have not been confirmed by published functional studies and their clinical significance is uncertain. In summary, the available evidence is currently insufficient to determine the role of this variant in disease. Therefore, it has been classified as a Variant of Uncertain Significance.